The following is an entry in ClinVar:

NM_020458.4(TTC7A):c.1433T>C (p.Leu478Pro)

Gene: TTC7A (tetratricopeptide repeat domain 7A; plus strand). Cytogenetic location: 2p21.
Variant type: single nucleotide variant.
Coding change: c.1433T>C on transcript NM_020458.4 (MANE Select); coding-DNA position 1433, T replaced by C.
Protein change: p.Leu478Pro; replaces leucine 478 with proline.
Molecular consequence: missense variant.
Genome position (GRCh38, 1-based): chr2:47,021,902, T>C. VCF-style: chr2-47021902-T-C. GRCh37 (hg19) VCF-style: chr2-47249041-T-C.
Other names: c.1433T>C, p.Leu478Pro (LRG_1323t1, NM_001288951.2); c.1331T>C, p.Leu444Pro (NM_001288953.2); c.371T>C, p.Leu124Pro (NM_001288955.2); short protein forms L124P, L444P, L478P.
Identifiers: ClinVar variation 642279 (VCV000642279.14), dbSNP rs201100272, ClinGen allele CA1647666.

ClinVar aggregate classification (germline): Conflicting classifications of pathogenicity. Review status: criteria provided, conflicting classifications (1 of 4 stars). 7 submissions from 7 submitters: Likely pathogenic (5); Uncertain significance (2). Last evaluated 2025-05-12.

Conditions:
Gastrointestinal defects and immunodeficiency syndrome 1 (GIDID1). Also called: Combined immunodeficiency-enteropathy spectrum. Identifiers: Orphanet 436252, MedGen C5968858, MONDO:0800030, OMIM 243150.
Multiple gastrointestinal atresias. Also called: FAMILIAL INTESTINAL POLYATRESIA SYNDROME; Multiple intestinal atresia. Identifiers: Orphanet 2300, MedGen C0220744, MONDO:0009465.

Allele frequency attached by ClinVar (database versions not stated): ExAC 0.00001; gnomAD exomes 0.00001; gnomAD 0.00002 and 0.00003; TOPMed 0.00004; ESP Exome Variant Server 0.00008; 1000 Genomes Project 30x 0.00016; 1000 Genomes Project 0.00020.
gnomAD v4.1: 20 of 1,614,182 alleles (0.0012%); highest among the groups gnomAD compares: African/African-American, 0.0027%; no homozygotes.

Submissions (7):

Women's Health and Genetics/Laboratory Corporation of America, LabCorp
Classification: Uncertain significance. Last evaluated: 2025-05-12. Review status: criteria provided, single submitter. Criteria: LabCorp Variant Classification Summary - May 2015. Collection method: clinical testing. Allele origin: germline.
Comment: Variant summary: TTC7A c.1433T>C (p.Leu478Pro) results in a non-conservative amino acid change in the encoded protein sequence. Algorithms developed to predict the effect of missense changes on protein structure and function are either unavailable or do not agree on the potential impact of this missense change. The variant allele was found at a frequency of 1.2e-05 in 251438 control chromosomes (gnomAD). The available data on variant occurrences in the general population are insufficient to allow any conclusion about variant significance. c.1433T>C has been observed in an individual(s) affected with features of Gastrointestinal Defects And Immunodeficiency Syndrome (e.g., Lemoine_2014). These data do not allow any conclusion about variant significance. To our knowledge, no experimental evidence demonstrating an impact on protein function has been reported. The following publications have been ascertained in the context of this evaluation (PMID: 25174867, 34930662). ClinVar contains an entry for this variant (Variation ID: 642279). Based on the evidence outlined above, the variant was classified as uncertain significance.

Variantyx, Inc.
Classification: Likely pathogenic for Gastrointestinal defects and immunodeficiency syndrome 1. Last evaluated: 2025-04-18. Review status: criteria provided, single submitter. Criteria: Variantyx Assertion Criteria 2022. Collection method: clinical testing. Allele origin: germline. Inheritance: Autosomal recessive inheritance. Affected: yes.
Comment: This is a nonsynonymous variant in the TTC7A gene (OMIM: 609332). Pathogenic variants in this gene have been associated with autosomal recessive gastrointestinal defects and immunodeficiency syndrome. Functional studies have shown that this variant alters TTC7A protein function (PMID: 25174867, 30455981) (PS3), and multiple computational algorithms predict a deleterious effect for this variant (REVEL score: 0.702) (PP3). This variant has a 0.0027% maximum allele frequency in non-founder control populations (PM2). Based on the current evidence, this variant is classified as likely pathogenic for autosomal recessive gastrointestinal defects and immunodeficiency syndrome.

Fulgent Genetics
Classification: Likely pathogenic for Gastrointestinal defects and immunodeficiency syndrome 1. Last evaluated: 2024-03-13. Review status: criteria provided, single submitter. Criteria: ACMG Guidelines, 2015. Collection method: clinical testing. Allele origin: germline.

Labcorp Genetics (formerly Invitae), Labcorp
Classification: Uncertain significance for Multiple gastrointestinal atresias. Last evaluated: 2022-08-23. Review status: criteria provided, single submitter. Criteria: Invitae Variant Classification Sherloc (09022015). Collection method: clinical testing. Allele origin: germline.
Comment: This sequence change replaces leucine, which is neutral and non-polar, with proline, which is neutral and non-polar, at codon 478 of the TTC7A protein (p.Leu478Pro). This variant is present in population databases (rs201100272, gnomAD 0.003%). This missense change has been observed in individual(s) with inflammatory bowel disease and primary immune defects (PMID: 25174867). In at least one individual the data is consistent with being in trans (on the opposite chromosome) from a pathogenic variant. ClinVar contains an entry for this variant (Variation ID: 642279). Algorithms developed to predict the effect of missense changes on protein structure and function are either unavailable or do not agree on the potential impact of this missense change (SIFT: "Deleterious"; PolyPhen-2: "Benign"; Align-GVGD: "Class C0"). In summary, the available evidence is currently insufficient to determine the role of this variant in disease. Therefore, it has been classified as a Variant of Uncertain Significance.

GeneDx
Classification: Likely pathogenic. Last evaluated: 2022-05-11. Review status: criteria provided, single submitter. Criteria: GeneDx Variant Classification Process June 2021. Collection method: clinical testing. Allele origin: germline. Affected: yes.
Comment: Not observed at a significant frequency in large population cohorts (gnomAD); In silico analysis, which includes protein predictors and evolutionary conservation, supports a deleterious effect; This variant is associated with the following publications: (PMID: 25174867, 31787977)

HudsonAlpha Institute for Biotechnology
Classification: Likely pathogenic for Gastrointestinal defects and immunodeficiency syndrome 1. Last evaluated: 2019-12-18. Review status: criteria provided, single submitter. Criteria: ACMG Guidelines, 2015. Collection method: research. Allele origin: unknown. Affected: yes. Observed: 1 variant allele. Study: CSER-SouthSeq.
Comment: ACMG codes: PM2, PM3, PP3, PP4

Baylor Genetics
Classification: Likely pathogenic for Gastrointestinal defects and immunodeficiency syndrome 1. Last evaluated: 2019-12-16. Review status: criteria provided, single submitter. Criteria: ACMG Guidelines, 2015. Collection method: clinical testing. Allele origin: unknown. Affected: yes.
Comment: This variant was determined to be likely pathogenic according to ACMG Guidelines, 2015 [PMID:25741868].

Literature cited by the submitters: PubMed 34930662 (cited by Women's Health and Genetics/Laboratory Corporation of America, LabCorp); PubMed 25174867 (cited by 3 submitters); PubMed 39495812 (cited by Variantyx, Inc.); PubMed 30455981 (cited by Variantyx, Inc.).